The following is an entry in ClinVar:

NM_000316.3(PTH1R):c.586T>G (p.Ser196Ala)

Gene: PTH1R (parathyroid hormone 1 receptor; plus strand). Cytogenetic location: 3p21.31.
Variant type: single nucleotide variant.
Coding change: c.586T>G on transcript NM_000316.3 (MANE Select); coding-DNA position 586, T replaced by G.
Protein change: p.Ser196Ala; replaces serine 196 with alanine.
Molecular consequence: missense variant.
Genome position (GRCh38, 1-based): chr3:46,898,420, T>G. VCF-style: chr3-46898420-T-G. GRCh37 (hg19) VCF-style: chr3-46939910-T-G.
Other names: c.586T>G, p.Ser196Ala (NM_001184744.1); short protein forms S196A.
Identifiers: ClinVar variation 2306923 (VCV002306923.3), dbSNP rs746024256, ClinGen allele CA2359251.
Genomic context (GRCh38, chr3:46,898,420, plus strand): 5'-TCCCCCCGCCCCGCACAGGAGGTGTTTGACCGCCTGGGCATGATTTACACCGTGGGCTAC[T>G]CCGTGTCCCTGGCGTCCCTCACCGTAGCTGTGCTCATCCTGGCCTACTTTAGGTGGGCGG-3'
Protein context (NP_000307.1, residues 186-206): RLGMIYTVGY[Ser196Ala]VSLASLTVAV

ClinVar aggregate classification (germline): Uncertain significance. Review status: criteria provided, multiple submitters, no conflicts (2 of 4 stars). 2 submissions from 2 submitters: Uncertain significance (2). Last evaluated 2025-10-17.

Conditions:
Inborn genetic diseases. Identifiers: MedGen C0950123, MeSH D030342.

Allele frequency attached by ClinVar (database versions not stated): gnomAD exomes below 0.00001; ExAC 0.00001; gnomAD 0.00001; TOPMed 0.00002.
gnomAD v4.1: 3 of 1,613,884 alleles (0.00019%); highest among the groups gnomAD compares: African/African-American, 0.0027%; no homozygotes.

Submissions (2):

Labcorp Genetics (formerly Invitae), Labcorp
Classification: Uncertain significance. Last evaluated: 2025-10-17. Review status: criteria provided, single submitter. Criteria: Invitae Variant Classification Sherloc (09022015). Collection method: clinical testing. Allele origin: germline.
Comment: This sequence change replaces serine, which is neutral and polar, with alanine, which is neutral and non-polar, at codon 196 of the PTH1R protein (p.Ser196Ala). This variant is present in population databases (rs746024256, gnomAD 0.01%). This variant has not been reported in the literature in individuals affected with PTH1R-related conditions. ClinVar contains an entry for this variant (Variation ID: 2306923). Invitae Evidence Modeling of protein sequence and biophysical properties (such as structural, functional, and spatial information, amino acid conservation, physicochemical variation, residue mobility, and thermodynamic stability) indicates that this missense variant is not expected to disrupt PTH1R protein function with a negative predictive value of 80%. In summary, the available evidence is currently insufficient to determine the role of this variant in disease. Therefore, it has been classified as a Variant of Uncertain Significance.

Ambry Genetics
Classification: Uncertain significance for Inborn genetic diseases. Last evaluated: 2022-08-12. Review status: criteria provided, single submitter. Criteria: Ambry Variant Classification Scheme 2023. Collection method: clinical testing. Allele origin: germline.